The following is an entry in ClinVar:

NM_005149.3(TBX19):c.727+1G>A

Gene: TBX19 (T-box transcription factor 19; plus strand). Cytogenetic location: 1q24.2.
Variant type: single nucleotide variant.
Coding change: c.727+1G>A on transcript NM_005149.3 (MANE Select); the canonical splice donor site of the intron after coding-DNA position 727, G replaced by A.
Molecular consequence: splice donor variant.
Genome position (GRCh38, 1-based): chr1:168,300,484, G>A. VCF-style: chr1-168300484-G-A. GRCh37 (hg19) VCF-style: chr1-168269722-G-A.
Identifiers: ClinVar variation 3340178 (VCV003340178.2).
Genomic context (GRCh38, chr1:168,300,484, plus strand): 5'-ATCACCTAAGAGACGTACCGGAGGCTATCTCTGAGAGCCAGCATGTGACCTATTCTCACT[G>A]TGAGTTGGGTGTACATGAGGCGGGAGGTGCGTGGGGCTGTACCTGGAGCCAGCTCCTTCC-3'

ClinVar aggregate classification (germline): Pathogenic/Likely pathogenic. Review status: criteria provided, multiple submitters, no conflicts (2 of 4 stars). 2 submissions from 2 submitters: Pathogenic (1); Likely pathogenic (1). Last evaluated 2024-01-20.

Conditions:
Congenital isolated adrenocorticotropic hormone deficiency. Also called: ACTH deficiency; Adrenocorticotropic hormone deficiency; ACTH DEFICIENCY, ISOLATED. Identifiers: Orphanet 199296, MedGen C0342388, MONDO:0008720, OMIM 201400, HP:0011748.

gnomAD v4.1: 8 of 1,613,924 alleles (0.0005%); highest among the groups gnomAD compares: Admixed American, 0.0067%; no homozygotes.

Submissions (2):

Fulgent Genetics
Classification: Likely pathogenic for Congenital isolated adrenocorticotropic hormone deficiency. Last evaluated: 2024-01-20. Review status: criteria provided, single submitter. Criteria: ACMG Guidelines, 2015. Collection method: clinical testing. Allele origin: germline.

GeneDx
Classification: Pathogenic. Last evaluated: 2023-04-18. Review status: criteria provided, single submitter. Criteria: GeneDx Variant Classification Process June 2021. Collection method: clinical testing. Allele origin: germline. Affected: yes.
Comment: Described as IVS5+1 G>A and reported with a second TBX19 variant on the opposite allele (in trans) in a patient with neonatal isolated ACTH deficiency (Couture et al., 2012); Canonical splice site variant predicted to result in a null allele in a gene for which loss of function is a known mechanism of disease; This variant is associated with the following publications: (PMID: 33098107, 22170728)